The following is an entry in ClinVar:

ClinVar aggregate classification (germline): Conflicting classifications of pathogenicity. Review status: criteria provided, conflicting classifications (1 of 4 stars). 5 submissions from 5 submitters: Uncertain significance (1); Likely benign (4). Last evaluated 2025-04-23.

Conditions:
Ehlers-Danlos syndrome, dermatosparaxis type. Also called: Dermatosparaxis; Ehlers-Danlos syndrome, type VII, autosomal recessive; EDS VIIC. Identifiers: Orphanet 1901, MedGen C2700425, MONDO:0009161, OMIM 225410.

Allele frequency attached by ClinVar (database versions not stated): TOPMed 0.00003.
gnomAD v4.1: 31 of 1,594,482 alleles (0.0019%); highest among the groups gnomAD compares: Non-Finnish European, 0.0026%; no homozygotes.

Submissions (5):

Mayo Clinic Laboratories, Mayo Clinic
Classification: Likely benign. Last evaluated: 2025-04-23. Review status: criteria provided, single submitter. Criteria: ACMG Guidelines, 2015. Collection method: clinical testing. Allele origin: germline. Observed: 1 variant allele.
Comment: BP4, BP7

Labcorp Genetics (formerly Invitae), Labcorp
Classification: Likely benign for Ehlers-Danlos syndrome, dermatosparaxis type. Last evaluated: 2024-12-03. Review status: criteria provided, single submitter. Criteria: Invitae Variant Classification Sherloc (09022015). Collection method: clinical testing. Allele origin: germline.

CeGaT Center for Human Genetics Tuebingen
Classification: Likely benign. Last evaluated: 2024-11-01. Review status: criteria provided, single submitter. Criteria: CeGaT Center For Human Genetics Tuebingen Variant Classification Criteria Version 2. Collection method: clinical testing. Allele origin: germline. Affected: yes. Observed: 1 variant allele.
Comment: ADAMTS2: BP4, BP7

GeneDx
Classification: Likely benign. Last evaluated: 2020-08-28. Review status: criteria provided, single submitter. Criteria: GeneDx Variant Classification Process June 2021. Collection method: clinical testing. Allele origin: germline. Affected: yes.

Illumina Laboratory Services, Illumina
Classification: Uncertain significance for Ehlers-Danlos syndrome, dermatosparaxis type. Last evaluated: 2017-04-27. Review status: criteria provided, single submitter. Criteria: ICSL Variant Classification Criteria 13 December 2019. Collection method: clinical testing. Allele origin: germline.

NM_014244.5(ADAMTS2):c.1308G>C (p.Ala436=)

Gene: ADAMTS2 (ADAM metallopeptidase with thrombospondin type 1 motif 2; minus strand). Cytogenetic location: 5q35.3.
Variant type: single nucleotide variant.
Coding change: c.1308G>C on transcript NM_014244.5 (MANE Select); coding-DNA position 1308, G replaced by C.
Protein change: p.Ala436=; no amino-acid change (alanine 436 retained).
Molecular consequence: synonymous variant.
Genome position (GRCh38, 1-based): chr5:179,154,123, C>G on the plus strand (G>C on the coding strand, the complement: ADAMTS2 is on the minus strand). VCF-style: chr5-179154123-C-G. GRCh37 (hg19) VCF-style: chr5-178581124-C-G.
Other names: p.Ala436=; c.1308G>C, p.Ala436= (NM_021599.4).
Identifiers: ClinVar variation 680887 (VCV000680887.30), dbSNP rs41285549, ClinGen allele CA3595969.